The following is an entry in ClinVar:

NM_004183.4(BEST1):c.578T>A (p.Met193Lys)

Gene: BEST1 (bestrophin 1; plus strand). Cytogenetic location: 11q12.3.
Variant type: single nucleotide variant.
Coding change: c.578T>A on transcript NM_004183.4 (MANE Select); coding-DNA position 578, T replaced by A.
Protein change: p.Met193Lys; replaces methionine 193 with lysine.
Molecular consequence: missense variant. On other transcripts: non-coding transcript variant (1).
Genome position (GRCh38, 1-based): chr11:61,956,940, T>A. VCF-style: chr11-61956940-T-A. GRCh37 (hg19) VCF-style: chr11-61724412-T-A.
Other names: c.398T>A, p.Met133Lys (NM_001139443.3, NM_001300786.2, NM_001300787.2); c.260T>A, p.Met87Lys (NM_001363591.3); c.578T>A, p.Met193Lys (NM_001363592.2); c.-598T>A (NM_001363593.3); short protein forms M87K, M193K, M133K.
Identifiers: ClinVar variation 3634173 (VCV003634173.2).

ClinVar aggregate classification (germline): Uncertain significance (1 of 4 stars; one submission).

Submission:

Labcorp Genetics (formerly Invitae), Labcorp
Classification: Uncertain significance. Last evaluated: 2024-06-04. Review status: criteria provided, single submitter. Criteria: Invitae Variant Classification Sherloc (09022015). Collection method: clinical testing. Allele origin: germline.
Comment: This sequence change replaces methionine, which is neutral and non-polar, with lysine, which is basic and polar, at codon 193 of the BEST1 protein (p.Met193Lys). This variant is not present in population databases (gnomAD no frequency). This variant has not been reported in the literature in individuals affected with BEST1-related conditions. Advanced modeling of protein sequence and biophysical properties (such as structural, functional, and spatial information, amino acid conservation, physicochemical variation, residue mobility, and thermodynamic stability) has been performed at Invitae for this missense variant, however the output from this modeling did not meet the statistical confidence thresholds required to predict the impact of this variant on BEST1 protein function. In summary, the available evidence is currently insufficient to determine the role of this variant in disease. Therefore, it has been classified as a Variant of Uncertain Significance.